The following is an entry in ClinVar:

ClinVar aggregate classification (germline): Benign/Likely benign. Review status: criteria provided, multiple submitters, no conflicts (2 of 4 stars). 10 submissions from 7 submitters: Benign (5); Likely benign (5). Last evaluated 2026-01-20.

Conditions:
Hypokalemic periodic paralysis, type 1. Also called: HypoPP; Hypokalemic Periodic Paralysis Type 1 (AD). Identifiers: Orphanet 681, MedGen C3714580, MONDO:0042979, OMIM 170400.
Malignant hyperthermia, susceptibility to, 5 (MHS5). Also called: CACNA1S-Related Malignant Hyperthermia Susceptibility. Identifiers: Orphanet 423, MedGen C1866077, MONDO:0011163, OMIM 601887.
Congenital myopathy 18. Also called: Myopathy, congenital, due to dihydropyridine receptor defect; DIHYDROPYRIDINE RECEPTOR CONGENITAL MYOPATHY; DHPR CONGENITAL MYOPATHY. Identifiers: MedGen C5830283, MONDO:0859514, OMIM 620246.
Thyrotoxic periodic paralysis, susceptibility to, 1 (TTPP1). Identifiers: Orphanet 79102, MedGen C2749982, MONDO:0008570, OMIM 188580.

Allele frequency attached by ClinVar (database versions not stated): gnomAD 0.00010 and 0.00011; TOPMed 0.00010; gnomAD exomes 0.00012 and 0.00033; ExAC 0.00034.
gnomAD v4.1: 203 of 1,613,912 alleles (0.013%); highest among the groups gnomAD compares: Middle Eastern, 0.016%; no homozygotes.

Submissions (10):

Labcorp Genetics (formerly Invitae), Labcorp
Classification: Likely benign for Hypokalemic periodic paralysis, type 1; Malignant hyperthermia, susceptibility to, 5. Last evaluated: 2026-01-20. Review status: criteria provided, single submitter. Criteria: Invitae Variant Classification Sherloc (09022015). Collection method: clinical testing. Allele origin: germline.

CeGaT Center for Human Genetics Tuebingen
Classification: Likely benign. Last evaluated: 2025-12-01. Review status: criteria provided, single submitter. Criteria: CeGaT Center For Human Genetics Tuebingen Variant Classification Criteria Version 2. Collection method: clinical testing. Allele origin: germline. Affected: yes. Observed: 8 variant alleles.
Comment: CACNA1S: BP4, BP7

Blueprint Genetics
Classification: Likely benign. Last evaluated: 2023-07-07. Review status: criteria provided, single submitter. Criteria: ACMG Guidelines, 2015. Collection method: clinical testing. Allele origin: germline.

Genome-Nilou Lab
Classification: Benign for Malignant hyperthermia, susceptibility to, 5. Last evaluated: 2023-04-11. Review status: criteria provided, single submitter. Criteria: ACMG Guidelines, 2015. Collection method: clinical testing. Allele origin: germline. Affected: no.

Genome-Nilou Lab
Classification: Benign for Thyrotoxic periodic paralysis, susceptibility to, 1. Last evaluated: 2023-04-11. Review status: criteria provided, single submitter. Criteria: ACMG Guidelines, 2015. Collection method: clinical testing. Allele origin: germline. Affected: no.

Genome-Nilou Lab
Classification: Benign for Congenital myopathy 18. Last evaluated: 2023-04-11. Review status: criteria provided, single submitter. Criteria: ACMG Guidelines, 2015. Collection method: clinical testing. Allele origin: germline. Affected: no.

Genome-Nilou Lab
Classification: Benign for Hypokalemic periodic paralysis, type 1. Last evaluated: 2023-04-11. Review status: criteria provided, single submitter. Criteria: ACMG Guidelines, 2015. Collection method: clinical testing. Allele origin: germline. Affected: no.

Color Diagnostics, LLC DBA Color Health
Classification: Likely benign for Malignant hyperthermia, susceptibility to, 5. Last evaluated: 2022-11-06. Review status: criteria provided, single submitter. Criteria: ACMG Guidelines, 2015. Collection method: clinical testing. Allele origin: germline.

Illumina Laboratory Services, Illumina
Classification: Benign for Hypokalemic periodic paralysis, type 1. Last evaluated: 2018-01-12. Review status: criteria provided, single submitter. Criteria: ICSL Variant Classification Criteria 13 December 2019. Collection method: clinical testing. Allele origin: germline.
Comment: This variant was observed in the ICSL laboratory as part of a predisposition screen in an ostensibly healthy population. It had not been previously curated by ICSL or reported in the Human Gene Mutation Database (HGMD: prior to June 1st, 2018), and was therefore a candidate for classification through an automated scoring system. Utilizing variant allele frequency, disease prevalence and penetrance estimates, and inheritance mode, an automated score was calculated to assess if this variant is too frequent to cause the disease. Based on the score and internal cut-off values, a variant classified as benign is not then subjected to further curation. The score for this variant resulted in a classification of benign for this disease.

Breakthrough Genomics
Classification: Likely benign. Review status: criteria provided, single submitter. Criteria: ACMG Guidelines, 2015. Collection method: not provided. Allele origin: germline. Inheritance: Autosomal dominant inheritance. Affected: yes.

NM_000069.3(CACNA1S):c.951C>T (p.Leu317=)

Gene: CACNA1S (calcium voltage-gated channel subunit alpha1 S; minus strand). Cytogenetic location: 1q32.1.
Variant type: single nucleotide variant.
Coding change: c.951C>T on transcript NM_000069.3 (MANE Select); coding-DNA position 951, C replaced by T.
Protein change: p.Leu317=; no amino-acid change (leucine 317 retained).
Molecular consequence: synonymous variant.
Genome position (GRCh38, 1-based): chr1:201,087,879, G>A on the plus strand (C>T on the coding strand, the complement: CACNA1S is on the minus strand). VCF-style: chr1-201087879-G-A. GRCh37 (hg19) VCF-style: chr1-201057007-G-A.
Identifiers: ClinVar variation 294770 (VCV000294770.52), dbSNP rs773209639, ClinGen allele CA084072.